The following is an entry in ClinVar:

NM_201253.3(CRB1):c.1612_1613insCTTA (p.Leu538fs)

Gene: CRB1 (crumbs cell polarity complex component 1; plus strand). Cytogenetic location: 1q31.3.
Variant type: Insertion.
Coding change: c.1612_1613insCTTA on transcript NM_201253.3 (MANE Select); coding-DNA positions 1612 to 1613, CTTA inserted.
Protein change: p.Leu538fs; shifts the reading frame from leucine 538.
Molecular consequence: frameshift variant. On other transcripts: non-coding transcript variant (2).
Genome position: GRCh38 VCF-style: chr1-197421440-C-CCTTA. GRCh37 (hg19) VCF-style: chr1-197390570-C-CCTTA.
Other names: c.1276_1277insCTTA, p.Leu426fs (NM_001193640.2); c.1405_1406insCTTA, p.Leu469fs (NM_001257965.2); c.1612_1613insCTTA, p.Leu538fs (NM_001257966.2); short protein forms L426fs, L469fs, L538fs.
Identifiers: ClinVar variation 236470 (VCV000236470.11), dbSNP rs878853364, ClinGen allele CA10581627.

ClinVar aggregate classification (germline): Pathogenic. Review status: criteria provided, multiple submitters, no conflicts (2 of 4 stars). 3 submissions from 3 submitters: Pathogenic (2). 1 of the submissions does not count toward it. Last evaluated 2024-07-18.

Conditions:
Retinitis pigmentosa 12 (RP12). Also called: RETINITIS PIGMENTOSA WITH OR WITHOUT PARAARTERIOLAR PRESERVATION OF RETINAL PIGMENT EPITHELIUM; RP WITH OR WITHOUT PPRPE; RP WITH OR WITHOUT PRESERVED PARAARTERIOLE RETINAL PIGMENT EPITHELIUM. Identifiers: Orphanet 791, MedGen C1838647, MONDO:0010818, OMIM 600105.
Leber congenital amaurosis 8 (LCA8). Identifiers: Orphanet 65, MedGen C3151202, MONDO:0013453, OMIM 613835.
Leber congenital amaurosis (LCA). Also called: Leber's amaurosis. Identifiers: Orphanet 65, MedGen C0339527, MeSH D057130, MONDO:0018998.
Retinal dystrophy. Also called: Inherited retinal dystrophy. Identifiers: Orphanet 71862, MedGen C0854723, MeSH D058499, MONDO:0019118, HP:0000556.

Allele frequency attached by ClinVar (database versions not stated): gnomAD exomes below 0.00001.

Submissions (3):

Natera, Inc.
Classification: Pathogenic for Leber congenital amaurosis. Last evaluated: 2024-07-18. Review status: criteria provided, single submitter. Criteria: Natera Variant Classification Schema (03/2026). Collection method: clinical testing. Allele origin: germline.
Comment: The c.1612_1613insCTTA variant in CRB1 is a frameshift variant predicted to shift the reading frame beginning at codon 538 and leads to a stop codon 14 codons downstream. This variant is expected to result in nonsense mediated decay, truncation, or a dysfunctional protein product. This variant is rare in the general population with a frequency below the threshold expected for the associated phenotype(s). This variant has been observed in one or more individuals affected with the associated recessive disease, as either homozygous or compound heterozygous with a second variant (PMID: 27208204). Given the available evidence, this variant is classified as Pathogenic.

Labcorp Genetics (formerly Invitae), Labcorp
Classification: Pathogenic for Leber congenital amaurosis 8; Retinitis pigmentosa 12. Last evaluated: 2023-06-03. Review status: criteria provided, single submitter. Criteria: Invitae Variant Classification Sherloc (09022015). Collection method: clinical testing. Allele origin: germline.
Comment: For these reasons, this variant has been classified as Pathogenic. ClinVar contains an entry for this variant (Variation ID: 236470). This premature translational stop signal has been observed in individual(s) with early-onset retinal disease and Leber congenital amaurosis (PMID: 27208204). This variant is not present in population databases (gnomAD no frequency). This sequence change creates a premature translational stop signal (p.Leu538Profs*14) in the CRB1 gene. It is expected to result in an absent or disrupted protein product. Loss-of-function variants in CRB1 are known to be pathogenic (PMID: 10508521, 22065545, 23379534, 25412400, 26957898, 28041643, 29391521).

Centre for Genomic Medicine, Manchester, Central Manchester University Hospitals
Classification: Likely pathogenic for Retinal dystrophy. Review status: no assertion criteria provided. Collection method: clinical testing. Allele origin: germline. Affected: yes. Not counted in ClinVar's aggregate classification.

Literature cited by the submitters: PubMed 27208204 (cited by Natera, Inc. and Labcorp Genetics (formerly Invitae), Labcorp); PubMed 10508521 (cited by Labcorp Genetics (formerly Invitae), Labcorp); PubMed 22065545 (cited by Labcorp Genetics (formerly Invitae), Labcorp); PubMed 23379534 (cited by Labcorp Genetics (formerly Invitae), Labcorp); PubMed 25412400 (cited by Labcorp Genetics (formerly Invitae), Labcorp); PubMed 26957898 (cited by Labcorp Genetics (formerly Invitae), Labcorp); PubMed 28041643 (cited by Labcorp Genetics (formerly Invitae), Labcorp); PubMed 29391521 (cited by Labcorp Genetics (formerly Invitae), Labcorp).